The following is an entry in ClinVar:

ClinVar aggregate classification (germline): Uncertain significance (1 of 4 stars; one submission).

Conditions:
Hypercholesterolemia, autosomal dominant, 3 (FHCL3). Also called: Familial Hypercholesterolemia, Autosomal Dominant, 3; PCSK9-Related Familial Hypercholesterolemia, Autosomal Dominant; Familial hypercholesterolemia 3. Identifiers: MedGen C1863551, MONDO:0011369, OMIM 603776.

Submission:

All of Us Research Program, National Institutes of Health
Classification: Uncertain significance for Hypercholesterolemia, autosomal dominant, 3. Last evaluated: 2023-09-04. Review status: criteria provided, single submitter. Criteria: ACMG Guidelines, 2015. Collection method: clinical testing. Allele origin: germline. Inheritance: Autosomal dominant inheritance. Observed: 1 variant allele, 1 heterozygote.
Comment: This variant is located in the PCSK9 protein. To our knowledge, functional studies have not been reported for this variant. This variant has not been reported in individuals affected with PCSK9-related disorders in the literature. This variant has not been identified in the general population by the Genome Aggregation Database (gnomAD). The available evidence is insufficient to determine the role of this variant in disease conclusively. Therefore, this variant is classified as a Variant of Uncertain Significance.

This study involves interpretation of variants in research participants for the purpose of population health screening. Participant phenotype was not available at the time of variant classification. Additional details can be found in publication PMID: 35346344, PMCID: PMC8962531

NM_174936.4(PCSK9):c.522C>A (p.Pro174=)

Gene: PCSK9 (proprotein convertase subtilisin/kexin type 9; plus strand). Cytogenetic location: 1p32.3.
Variant type: single nucleotide variant.
Coding change: c.522C>A on transcript NM_174936.4 (MANE Select); coding-DNA position 522, C replaced by A.
Protein change: p.Pro174=; no amino-acid change (proline 174 retained).
Molecular consequence: synonymous variant. On other transcripts: non-coding transcript variant (6).
Genome position (GRCh38, 1-based): chr1:55,046,645, C>A. VCF-style: chr1-55046645-C-A. GRCh37 (hg19) VCF-style: chr1-55512318-C-A.
Other names: c.645C>A, p.Pro215= (NM_001407240.1); c.522C>A, p.Pro174= (NM_001407241.1, NM_001407242.1, NM_001407244.1 and 1 more transcripts); c.465C>A, p.Pro155= (NM_001407243.1); c.330C>A, p.Pro110= (NM_001407245.1); c.147C>A, p.Pro49= (NM_001407246.1).
Identifiers: ClinVar variation 3073341 (VCV003073341.1), dbSNP rs373018373, ClinGen allele CA417957717.
Genomic context (GRCh38, chr1:55,046,645, plus strand): 5'-CCCGTGGAACCTGGAGCGGATTACCCCTCCACGGTACCGGGCGGATGAATACCAGCCCCC[C>A]GGTAAGACCCCCATCTGTGCCCTGCCCCACCCCATCTGAGCTGAATCCATTTGCTCTGCC-3'
Protein context (NP_777596.2, residues 164-184): PRYRADEYQP[Pro174=]DGGSLVEVYL